The following is an entry in ClinVar:

ClinVar aggregate classification (germline): Uncertain significance (1 of 4 stars; one submission).

Conditions:
Melanoma, cutaneous malignant, susceptibility to, 5. Also called: Cutaneous malignant melanoma 5. Identifiers: Orphanet 618, MedGen C2751295, MONDO:0013133, OMIM 613099.

Submission:

Labcorp Genetics (formerly Invitae), Labcorp
Classification: Uncertain significance for Melanoma, cutaneous malignant, susceptibility to, 5. Last evaluated: 2023-04-08. Review status: criteria provided, single submitter. Criteria: Invitae Variant Classification Sherloc (09022015). Collection method: clinical testing. Allele origin: germline.
Comment: This variant, c.772_774del, results in the deletion of 1 amino acid(s) of the MC1R protein (p.Phe258del), but otherwise preserves the integrity of the reading frame. In summary, the available evidence is currently insufficient to determine the role of this variant in disease. Therefore, it has been classified as a Variant of Uncertain Significance. Experimental studies and prediction algorithms are not available or were not evaluated, and the functional significance of this variant is currently unknown. This variant has not been reported in the literature in individuals affected with MC1R-related conditions. This variant is not present in population databases (gnomAD no frequency).

NM_002386.4(MC1R):c.769TTC[1] (p.Phe258del)

Gene: MC1R (melanocortin 1 receptor; plus strand). Cytogenetic location: 16q24.3.
Variant type: Microsatellite.
Coding change: c.769TTC[1] on transcript NM_002386.4 (MANE Select); one copy of the 3-base unit TTC starting at c.769; the reference has two copies in a row; one copy, 3 bases deleted.
Protein change: p.Phe258del; deletes phenylalanine 258.
Molecular consequence: inframe deletion.
Genome position (GRCh38, 1-based): chr16:89,920,030-89,920,032, TTC deleted; deleting any 3 consecutive bases within chr16:89,920,026-89,920,032 gives the same sequence; the position shown is the placement nearest the transcript's 3' end. VCF-style (leftmost placement, unchanged base first): chr16-89920025-CCTT-C. GRCh37 (hg19) VCF-style: chr16-89986433-CCTT-C.
Other names: short protein forms F258del.
Identifiers: ClinVar variation 2041046 (VCV002041046.4), dbSNP rs2544610369, ClinGen allele CA2547192581.
Genomic context (GRCh38, chr16:89,920,025, plus strand): 5'-GCCTTAAAGGCGCTGTCACCCTCACCATCCTGCTGGGCATTTTCTTCCTCTGCTGGGGCC[CCTT>C]CTTCCTGCATCTCACACTCATCGTCCTCTGCCCCGAGCACCCCACGTGCGGCTGCATCTT-3'